The following is an entry in ClinVar:

GRCh38/hg38 9p23(chr9:9114504-12196201)x3

Genes: LINC03131 (long independently transcribed non-coding RNA 3131; minus strand), PTPRD (protein tyrosine phosphatase receptor type D; minus strand), PTPRD-DT (PTPRD divergent transcript; plus strand), LOC105375972 (uncharacterized LOC105375972; plus strand), LOC105375976 (uncharacterized LOC105375976; minus strand) and 5 more. Cytogenetic location: 9p23.
Variant type: copy number gain.
Change: copy number 3 (three copies instead of two) of chr9:9,114,504-12,196,201 (3.08 Mb, GRCh38 coordinates, 1-based), cytogenetic band 9p23.
Identifiers: ClinVar variation 148691 (VCV000148691.2).

ClinVar aggregate classification (germline): conflicting data from submitters (0 of 4 stars; one submission).

Submission:

ISCA site 1
Classification: conflicting data from submitters. Last evaluated: 2012-08-20. Review status: no assertion criteria provided. Collection method: clinical testing. Allele origin: maternal, unknown. Affected: yes. Observed: 2 variant alleles.
Comment: Uncertain significance(1), Likely benign (1)

Copy number variation identified through the course of routine clinical cytogenomic testing in postnatal populations, with clinical assertions as classified by the original submitter. For data from the original published study, Kaminsky, et al. 2011 (PubMed 21844811), please see nstd101.